The following is an entry in ClinVar:

ClinVar aggregate classification (germline): Uncertain significance. Review status: criteria provided, multiple submitters, no conflicts (2 of 4 stars). 4 submissions from 4 submitters: Uncertain significance (4). Last evaluated 2024-07-01.

Conditions:
Inborn genetic diseases. Identifiers: MedGen C0950123, MeSH D030342.

Allele frequency attached by ClinVar (database versions not stated): TOPMed below 0.00001.

Submissions (4):

CeGaT Center for Human Genetics Tuebingen
Classification: Uncertain significance. Last evaluated: 2024-07-01. Review status: criteria provided, single submitter. Criteria: CeGaT Center For Human Genetics Tuebingen Variant Classification Criteria Version 2. Collection method: clinical testing. Allele origin: germline. Affected: yes. Observed: 1 variant allele.
Comment: SMARCA2: PM2, PP2, PP3

Labcorp Genetics (formerly Invitae), Labcorp
Classification: Uncertain significance. Last evaluated: 2024-04-10. Review status: criteria provided, single submitter. Criteria: Invitae Variant Classification Sherloc (09022015). Collection method: clinical testing. Allele origin: germline.
Comment: This sequence change replaces proline, which is neutral and non-polar, with serine, which is neutral and polar, at codon 291 of the SMARCA2 protein (p.Pro291Ser). The frequency data for this variant in the population databases is considered unreliable, as metrics indicate insufficient coverage at this position in the gnomAD database. This variant has not been reported in the literature in individuals affected with SMARCA2-related conditions. ClinVar contains an entry for this variant (Variation ID: 1919448). Advanced modeling of protein sequence and biophysical properties (such as structural, functional, and spatial information, amino acid conservation, physicochemical variation, residue mobility, and thermodynamic stability) performed at Invitae indicates that this missense variant is not expected to disrupt SMARCA2 protein function with a negative predictive value of 80%. In summary, the available evidence is currently insufficient to determine the role of this variant in disease. Therefore, it has been classified as a Variant of Uncertain Significance.

Clinical Genetics Laboratory, Skane University Hospital Lund
Classification: Uncertain significance. Last evaluated: 2023-01-13. Review status: criteria provided, single submitter. Criteria: ACMG Guidelines, 2015. Collection method: clinical testing. Allele origin: germline. Affected: yes.

Ambry Genetics
Classification: Uncertain significance for Inborn genetic diseases. Last evaluated: 2022-10-26. Review status: criteria provided, single submitter. Criteria: Ambry Variant Classification Scheme 2023. Collection method: clinical testing. Allele origin: germline.

NM_003070.5(SMARCA2):c.871C>T (p.Pro291Ser)

Gene: SMARCA2 (SWI/SNF related BAF chromatin remodeling complex subunit ATPase 2; plus strand). Cytogenetic location: 9p24.3.
Variant type: single nucleotide variant.
Coding change: c.871C>T on transcript NM_003070.5 (MANE Select); coding-DNA position 871, C replaced by T.
Protein change: p.Pro291Ser; replaces proline 291 with serine.
Molecular consequence: missense variant.
Genome position (GRCh38, 1-based): chr9:2,047,309, C>T. VCF-style: chr9-2047309-C-T. GRCh37 (hg19) VCF-style: chr9-2047309-C-T.
Other names: c.871C>T, p.Pro291Ser (NM_001289396.2, NM_001289397.2, NM_139045.4); short protein forms P291S.
Identifiers: ClinVar variation 1919448 (VCV001919448.24), dbSNP rs1411081991, ClinGen allele CA372780857.